The following is an entry in ClinVar:

ClinVar aggregate classification (germline): Likely benign (1 of 4 stars; one submission).

gnomAD v4.1: 9 of 1,614,068 alleles (0.00056%); highest among the groups gnomAD compares: East Asian, 0.018%; no homozygotes.

Submission:

CeGaT Center for Human Genetics Tuebingen
Classification: Likely benign. Last evaluated: 2025-05-01. Review status: criteria provided, single submitter. Criteria: CeGaT Center For Human Genetics Tuebingen Variant Classification Criteria Version 2. Collection method: clinical testing. Allele origin: germline. Affected: yes. Observed: 1 variant allele.
Comment: TNR: BP4, BP7

NM_003285.3(TNR):c.3294C>T (p.Gly1098=)

Gene: TNR (tenascin R; minus strand). Cytogenetic location: 1q25.1.
Variant type: single nucleotide variant.
Coding change: c.3294C>T on transcript NM_003285.3 (MANE Select); coding-DNA position 3294, C replaced by T.
Protein change: p.Gly1098=; no amino-acid change (glycine 1098 retained).
Molecular consequence: synonymous variant.
Genome position (GRCh38, 1-based): chr1:175,354,479, G>A on the plus strand (C>T on the coding strand, the complement: TNR is on the minus strand). VCF-style: chr1-175354479-G-A. GRCh37 (hg19) VCF-style: chr1-175323615-G-A.
Other names: c.2295C>T, p.Gly765= (NM_001328635.2).
Identifiers: ClinVar variation 3905138 (VCV003905138.10).